The following is an entry in ClinVar:

ClinVar aggregate classification (germline): Pathogenic (1 of 4 stars; one submission).

Conditions:
Duchenne muscular dystrophy (DMD). Also called: MUSCULAR DYSTROPHY, PSEUDOHYPERTROPHIC PROGRESSIVE, DUCHENNE TYPE; Duchenne Muscular Dystrophy (DMD). Identifiers: Orphanet 98896, MedGen C0013264, MONDO:0010679, OMIM 310200.

Submission:

Labcorp Genetics (formerly Invitae), Labcorp
Classification: Pathogenic for Duchenne muscular dystrophy. Last evaluated: 2018-06-11. Review status: criteria provided, single submitter. Criteria: Invitae Variant Classification Sherloc (09022015). Collection method: clinical testing. Allele origin: germline.
Comment: This variant is a gross deletion of the genomic region encompassing exons 45-52 of the DMD gene. This creates a premature translational stop signal and is expected to result in an absent or disrupted protein product. Loss-of-function variants in DMD are known to be pathogenic. This particular variant has been reported in the literature in individuals affected with Duchenne muscular dystrophy (PMID: 23299919, 25244321, 26911353). For these reasons, this variant has been classified as Pathogenic.

Literature cited by the submitters: PubMed 23299919; PubMed 25244321; PubMed 26911353.

NC_000023.10:g.(?_31747728)_(31986651_?)del

Gene: DMD (dystrophin; minus strand). Cytogenetic location: Xp21.1.
Variant type: Deletion.
Identifiers: ClinVar variation 455808 (VCV000455808.1).